The following is an entry in ClinVar:

ClinVar aggregate classification (germline): Uncertain significance. Review status: criteria provided, multiple submitters, no conflicts (2 of 4 stars). 2 submissions from 2 submitters: Uncertain significance (2). Last evaluated 2026-05-06.

Conditions:
SEMA3G-related disorder. Also called: SEMA3G-related condition.

Allele frequency attached by ClinVar (database versions not stated): gnomAD 0.00036; ExAC 0.00060; ESP Exome Variant Server 0.00069; TOPMed 0.00031.
gnomAD v4.1: 776 of 1,613,948 alleles (0.048%); highest among the groups gnomAD compares: Non-Finnish European, 0.063%; 1 homozygote.

Submissions (2):

PreventionGenetics, part of Exact Sciences
Classification: Uncertain significance for SEMA3G-related condition. Last evaluated: 2026-05-06. Review status: criteria provided, single submitter. Criteria: ACMG Guidelines, 2015. Collection method: clinical testing. Allele origin: germline.
Comment: The SEMA3G c.1435G>A variant is predicted to result in the amino acid substitution p.Glu479Lys. To our knowledge, this variant has not been reported in the literature. This variant is reported in 0.082% of alleles in individuals of European (Non-Finnish) descent in gnomAD, which is likely too common to be a primary cause of disease. Although we suspect this variant may be benign, the clinical significance is uncertain at this time due to the absence of conclusive functional and genetic evidence.

Ambry Genetics
Classification: Uncertain significance. Last evaluated: 2021-08-23. Review status: criteria provided, single submitter. Criteria: Ambry Variant Classification Scheme 2023. Collection method: clinical testing. Allele origin: germline.

NM_020163.3(SEMA3G):c.1435G>A (p.Glu479Lys)

Gene: SEMA3G (semaphorin 3G; minus strand). Cytogenetic location: 3p21.1.
Variant type: single nucleotide variant.
Coding change: c.1435G>A on transcript NM_020163.3 (MANE Select); coding-DNA position 1435, G replaced by A.
Protein change: p.Glu479Lys; replaces glutamic acid 479 with lysine.
Molecular consequence: missense variant.
Genome position (GRCh38, 1-based): chr3:52,439,712, C>T on the plus strand (G>A on the coding strand, the complement: SEMA3G is on the minus strand). VCF-style: chr3-52439712-C-T. GRCh37 (hg19) VCF-style: chr3-52473728-C-T.
Other names: c.1435G>A (NM_020163.1); short protein forms E479K.
Identifiers: ClinVar variation 2636113 (VCV002636113.5), dbSNP rs201671398, ClinGen allele CA2437942.